The following is an entry in ClinVar:

NM_001851.6(COL9A1):c.1172_1173delinsTA (p.Gly391Val)

Genes: COL9A1 (collagen type IX alpha 1 chain; minus strand), LOC129996692 (ATAC-STARR-seq lymphoblastoid active region 24730; plus strand). Cytogenetic location: 6q13.
Variant type: Indel.
Coding change: c.1172_1173delinsTA on transcript NM_001851.6 (MANE Select); coding-DNA positions 1172 to 1173, GC replaced by TA.
Protein change: p.Gly391Val; replaces glycine 391 with valine.
Molecular consequence: missense variant. On other transcripts: non-coding transcript variant (1).
Genome position (GRCh38, 1-based): chr6:70,270,338-70,270,339, GC replaced by TA on the plus strand (GC replaced by TA on the coding strand, the reverse complement: COL9A1 is on the minus strand). VCF-style: chr6-70270338-GC-TA. GRCh37 (hg19) VCF-style: chr6-70980041-GC-TA.
Other names: c.443_444delinsTA, p.Gly148Val (NM_001377289.1, NM_001377290.1, NM_078485.4); short protein forms G148V, G391V.
Identifiers: ClinVar variation 1052262 (VCV001052262.11), dbSNP rs2127589807, ClinGen allele CA2499218509.

ClinVar aggregate classification (germline): Uncertain significance (1 of 4 stars; one submission).

Submission:

Labcorp Genetics (formerly Invitae), Labcorp
Classification: Uncertain significance. Last evaluated: 2022-10-28. Review status: criteria provided, single submitter. Criteria: Invitae Variant Classification Sherloc (09022015). Collection method: clinical testing. Allele origin: germline.
Comment: ClinVar contains an entry for this variant (Variation ID: 1052262). Algorithms developed to predict the effect of missense changes on protein structure and function are either unavailable or do not agree on the potential impact of this missense change (SIFT: "Not Available"; PolyPhen-2: "Probably Damaging"; Align-GVGD: "Not Available"). In summary, the available evidence is currently insufficient to determine the role of this variant in disease. Therefore, it has been classified as a Variant of Uncertain Significance. This sequence change replaces glycine, which is neutral and non-polar, with valine, which is neutral and non-polar, at codon 391 of the COL9A1 protein (p.Gly391Val). Information on the frequency of this variant in the gnomAD database is not available, as this variant may be reported differently in the database. This variant has not been reported in the literature in individuals affected with COL9A1-related conditions.